The following is an entry in ClinVar:

ClinVar aggregate classification (germline): Uncertain significance (1 of 4 stars; one submission).

Conditions:
Dilated cardiomyopathy 1O (CMD1O). Also called: CARDIOMYOPATHY, DILATED, WITH VENTRICULAR TACHYCARDIA. Identifiers: Orphanet 154, MedGen C1837839, MONDO:0012062, OMIM 608569.

Submission:

Labcorp Genetics (formerly Invitae), Labcorp
Classification: Uncertain significance for Dilated cardiomyopathy 1O. Last evaluated: 2022-07-29. Review status: criteria provided, single submitter. Criteria: Invitae Variant Classification Sherloc (09022015). Collection method: clinical testing. Allele origin: germline.
Comment: This sequence change replaces asparagine, which is neutral and polar, with lysine, which is basic and polar, at codon 422 of the ABCC9 protein (p.Asn422Lys). This variant is not present in population databases (gnomAD no frequency). This variant has not been reported in the literature in individuals affected with ABCC9-related conditions. Algorithms developed to predict the effect of missense changes on protein structure and function are either unavailable or do not agree on the potential impact of this missense change (SIFT: "Tolerated"; PolyPhen-2: "Possibly Damaging"; Align-GVGD: "Class C0"). In summary, the available evidence is currently insufficient to determine the role of this variant in disease. Therefore, it has been classified as a Variant of Uncertain Significance.

NM_020297.4(ABCC9):c.1266T>A (p.Asn422Lys)

Gene: ABCC9 (ATP binding cassette subfamily C member 9; minus strand). Cytogenetic location: 12p12.1.
Variant type: single nucleotide variant.
Coding change: c.1266T>A on transcript NM_020297.4 (MANE Select); coding-DNA position 1266, T replaced by A.
Protein change: p.Asn422Lys; replaces asparagine 422 with lysine.
Molecular consequence: missense variant.
Genome position (GRCh38, 1-based): chr12:21,910,211, A>T on the plus strand (T>A on the coding strand, the complement: ABCC9 is on the minus strand). VCF-style: chr12-21910211-A-T. GRCh37 (hg19) VCF-style: chr12-22063145-A-T.
Other names: c.1266T>A, p.Asn422Lys (NM_001377273.1, NM_005691.4); c.402T>A, p.Asn134Lys (NM_001377274.1); short protein forms N134K, N422K.
Identifiers: ClinVar variation 1714209 (VCV001714209.5), dbSNP rs2541667683, ClinGen allele CA384117988.
Genomic context (GRCh38, chr12:21,910,211, plus strand): 5'-ACCTACCTGAACAGGCATAGCCCATAGATTGGGACACAGGAACAAAAACCACATGAGTTG[A>T]TTAGTTTCAATGGCGACTAAGTTGTTGATCTGCCCCAGAGTCATCTCCCCCATGGATAAG-3'
Protein context (NP_064693.2, residues 412-432): QINNLVAIET[Asn422Lys]QLMWFLFLCP